The following is an entry in ClinVar:

NM_001172501.3(SLC6A2):c.296C>T (p.Thr99Ile)

Gene: SLC6A2 (solute carrier family 6 member 2; plus strand). Cytogenetic location: 16q12.2.
Variant type: single nucleotide variant.
Coding change: c.296C>T on transcript NM_001172501.3 (MANE Select); coding-DNA position 296, C replaced by T.
Protein change: p.Thr99Ile; replaces threonine 99 with isoleucine.
Molecular consequence: missense variant.
Genome position (GRCh38, 1-based): chr16:55,669,586, C>T. VCF-style: chr16-55669586-C-T. GRCh37 (hg19) VCF-style: chr16-55703498-C-T.
Other names: c.296C>T, p.Thr99Ile (NM_001043.3, NM_001172504.1); short protein forms T99I.
Identifiers: ClinVar variation 778123 (VCV000778123.7), dbSNP rs1805065, ClinGen allele CA8061401.

ClinVar aggregate classification (germline): Benign. Review status: criteria provided, multiple submitters, no conflicts (2 of 4 stars). 3 submissions from 3 submitters: Benign (2). 1 of the submissions does not count toward it. Last evaluated 2019-12-31.

Conditions:
SLC6A2-related disorder.

Allele frequency attached by ClinVar (database versions not stated): 1000 Genomes Project 0.00559; 1000 Genomes Project 30x 0.00593; ExAC 0.00937; gnomAD exomes 0.00950 and 0.01719; gnomAD 0.01069 and 0.01100; TOPMed 0.01125; ESP Exome Variant Server 0.01377.
gnomAD v4.1: 26,777 of 1,613,980 alleles (1.7%); highest among the groups gnomAD compares: Non-Finnish European, 2.1%; 287 homozygotes.

Submissions (3):

Labcorp Genetics (formerly Invitae), Labcorp
Classification: Benign. Last evaluated: 2019-12-31. Review status: criteria provided, single submitter. Criteria: Invitae Variant Classification Sherloc (09022015). Collection method: clinical testing. Allele origin: germline.

Breakthrough Genomics
Classification: Benign. Review status: criteria provided, single submitter. Criteria: ACMG Guidelines, 2015. Collection method: not provided. Allele origin: germline. Inheritance: Autosomal dominant inheritance. Affected: yes.

PreventionGenetics, part of Exact Sciences
Classification: Benign for SLC6A2-related condition. Last evaluated: 2019-11-27. Review status: no assertion criteria provided. Collection method: clinical testing. Allele origin: germline. Not counted in ClinVar's aggregate classification.
Comment: This variant is classified as benign based on ACMG/AMP sequence variant interpretation guidelines (Richards et al. 2015 PMID: 25741868, with internal and published modifications).